The following is an entry in ClinVar:

ClinVar aggregate classification (germline): Likely benign (1 of 4 stars; one submission).

gnomAD v4.1: 135 of 1,608,788 alleles (0.0084%); highest among the groups gnomAD compares: Non-Finnish European, 0.011%; no homozygotes.

Submission:

CeGaT Center for Human Genetics Tuebingen
Classification: Likely benign. Last evaluated: 2026-04-01. Review status: criteria provided, single submitter. Criteria: CeGaT Center For Human Genetics Tuebingen Variant Classification Criteria Version 2. Collection method: clinical testing. Allele origin: germline. Affected: yes. Observed: 2 variant alleles.
Comment: TAF4: BP4, BP7

NM_003185.4(TAF4):c.2302C>T (p.Leu768=)

Gene: TAF4 (TATA-box binding protein associated factor 4; minus strand). Cytogenetic location: 20q13.33.
Variant type: single nucleotide variant.
Coding change: c.2302C>T on transcript NM_003185.4 (MANE Select); coding-DNA position 2302, C replaced by T.
Protein change: p.Leu768=; no amino-acid change (leucine 768 retained).
Molecular consequence: synonymous variant.
Genome position (GRCh38, 1-based): chr20:62,003,800, G>A on the plus strand (C>T on the coding strand, the complement: TAF4 is on the minus strand). VCF-style: chr20-62003800-G-A. GRCh37 (hg19) VCF-style: chr20-60578856-G-A.
Identifiers: ClinVar variation 3771818 (VCV003771818.13).
Genomic context (GRCh38, chr20:62,003,800, plus strand): 5'-GTGGGTTCAGCTGGATCTGCTGAGGCGTGGTGAGCATGATCCGGTTGTGAGGCTGCCGCA[G>A]GGCGACCATGGGTGTCTGCGTCAACGTCACCTGCGGGGGCCGGATCAGGGCTCCTGGCTT-3'
Protein context (NP_003176.2, residues 758-778): VTLTQTPMVA[Leu768=]RQPHNRIMLT